The following is an entry in ClinVar:

NM_000057.4(BLM):c.3926G>C (p.Arg1309Thr)

Gene: BLM (BLM RecQ like helicase; plus strand). Cytogenetic location: 15q26.1.
Variant type: single nucleotide variant.
Coding change: c.3926G>C on transcript NM_000057.4 (MANE Select); coding-DNA position 3926, G replaced by C.
Protein change: p.Arg1309Thr; replaces arginine 1309 with threonine.
Molecular consequence: missense variant.
Genome position (GRCh38, 1-based): chr15:90,811,256, G>C. VCF-style: chr15-90811256-G-C. GRCh37 (hg19) VCF-style: chr15-91354486-G-C.
Other names: c.3926G>C, p.Arg1309Thr (NM_001287246.2); c.3533G>C, p.Arg1178Thr (NM_001287247.2); c.2801G>C, p.Arg934Thr (NM_001287248.2); c.3926G>C (NM_000057.2); short protein forms R1309T, R934T, R1178T.
Identifiers: ClinVar variation 572459 (VCV000572459.13), dbSNP rs1280067298, ClinGen allele CA393850620.

ClinVar aggregate classification (germline): Uncertain significance. Review status: criteria provided, multiple submitters, no conflicts (2 of 4 stars). 4 submissions from 4 submitters: Uncertain significance (3). 1 of the submissions does not count toward it. Last evaluated 2025-11-24.

Conditions:
Bloom syndrome (BLM). Also called: Bloom-Torre-Machacek syndrome. Identifiers: Orphanet 125, MedGen C0005859, MONDO:0008876, OMIM 210900.
Hereditary cancer-predisposing syndrome. Also called: Hereditary neoplastic syndrome; Neoplastic Syndromes, Hereditary; Hereditary Cancer Syndrome; Tumor predisposition. Identifiers: Orphanet 140162, MedGen C0027672, MeSH D009386, MONDO:0015356.

Allele frequency attached by ClinVar (database versions not stated): gnomAD exomes below 0.00001 and 0.00002.
gnomAD v4.1: 2 of 1,614,164 alleles (0.00012%); highest among the groups gnomAD compares: East Asian, 0.0022%; no homozygotes.

Submissions (4):

Labcorp Genetics (formerly Invitae), Labcorp
Classification: Uncertain significance for Bloom syndrome. Last evaluated: 2025-11-24. Review status: criteria provided, single submitter. Criteria: Invitae Variant Classification Sherloc (09022015). Collection method: clinical testing. Allele origin: germline.
Comment: This sequence change replaces arginine, which is basic and polar, with threonine, which is neutral and polar, at codon 1309 of the BLM protein (p.Arg1309Thr). This variant is present in population databases (no rsID available, gnomAD 0.02%). This variant has not been reported in the literature in individuals affected with BLM-related conditions. ClinVar contains an entry for this variant (Variation ID: 572459). Invitae Evidence Modeling of protein sequence and biophysical properties (such as structural, functional, and spatial information, amino acid conservation, physicochemical variation, residue mobility, and thermodynamic stability) indicates that this missense variant is not expected to disrupt BLM protein function with a negative predictive value of 80%. In summary, the available evidence is currently insufficient to determine the role of this variant in disease. Therefore, it has been classified as a Variant of Uncertain Significance.

Ambry Genetics
Classification: Uncertain significance for Hereditary cancer-predisposing syndrome. Last evaluated: 2025-09-04. Review status: criteria provided, single submitter. Criteria: Ambry Variant Classification Scheme 2023. Collection method: clinical testing. Allele origin: germline.
Comment: The p.R1309T variant (also known as c.3926G>C), located in coding exon 20 of the BLM gene, results from a G to C substitution at nucleotide position 3926. The arginine at codon 1309 is replaced by threonine, an amino acid with similar properties. This amino acid position is not well conserved in available vertebrate species. In addition, this alteration is predicted to be tolerated by in silico analysis. Since supporting evidence is limited at this time, the clinical significance of this alteration remains unclear.

Blueprint Genetics
Classification: Uncertain significance. Last evaluated: 2022-10-03. Review status: criteria provided, single submitter. Criteria: ACMG Guidelines, 2015. Collection method: clinical testing. Allele origin: germline.

Natera, Inc.
Classification: Uncertain significance for Bloom syndrome. Last evaluated: 2018-10-02. Review status: no assertion criteria provided. Collection method: clinical testing. Allele origin: germline. Not counted in ClinVar's aggregate classification.